The following is an entry in ClinVar:

NM_003036.4(SKI):c.1955A>G (p.Lys652Arg)

Gene: SKI (SKI proto-oncogene; plus strand). Cytogenetic location: 1p36.32.
Variant type: single nucleotide variant.
Coding change: c.1955A>G on transcript NM_003036.4 (MANE Select); coding-DNA position 1955, A replaced by G.
Protein change: p.Lys652Arg; replaces lysine 652 with arginine.
Molecular consequence: missense variant.
Genome position (GRCh38, 1-based): chr1:2,306,207, A>G. VCF-style: chr1-2306207-A-G. GRCh37 (hg19) VCF-style: chr1-2237646-A-G.
Other names: short protein forms K652R.
Identifiers: ClinVar variation 1783290 (VCV001783290.2), dbSNP rs756709387, ClinGen allele CA536838.

ClinVar aggregate classification (germline): Uncertain significance (1 of 4 stars; one submission).

Conditions:
Familial thoracic aortic aneurysm and aortic dissection (TAAD). Also called: Thoracic aortic aneurysms and dissections. Identifiers: Orphanet 91387, MedGen C4707243, MONDO:0019625.

Allele frequency attached by ClinVar (database versions not stated): TOPMed below 0.00001; gnomAD 0.00001.

Submission:

Ambry Genetics
Classification: Uncertain significance for Familial thoracic aortic aneurysm and aortic dissection. Last evaluated: 2022-09-05. Review status: criteria provided, single submitter. Criteria: Ambry Variant Classification Scheme 2023. Collection method: clinical testing. Allele origin: germline.
Comment: The p.K652R variant (also known as c.1955A>G), located in coding exon 6 of the SKI gene, results from an A to G substitution at nucleotide position 1955. The lysine at codon 652 is replaced by arginine, an amino acid with highly similar properties. This amino acid position is conserved. In addition, the in silico prediction for this alteration is inconclusive. Since supporting evidence is limited at this time, the clinical significance of this alteration remains unclear.